The following is an entry in ClinVar:

ClinVar aggregate classification (germline): Likely benign (1 of 4 stars; one submission).

Conditions:
Glycogen storage disease, type II (IOPD). Also called: Pompe Disease; CARDIOMEGALIA GLYCOGENICA DIFFUSA; GLYCOGENOSIS, GENERALIZED, CARDIAC FORM; GSD II; POMPE DISEASE, INFANTILE-ONSET; GLYCOGEN STORAGE DISEASE II, INFANTILE-ONSET. Identifiers: Orphanet 365, MedGen C0017921, MONDO:0009290, OMIM 232300.

Submission:

Genomenon, Inc
Classification: Likely benign for Glycogen storage disease, type II. Last evaluated: 2026-07-01. Review status: criteria provided, single submitter. Criteria: Genomenon Sequence Variant Interpretation Standards - Updated. Collection method: curation. Allele origin: germline. Affected: yes.
Comment: GAA c.2331+102del is a deletion variant located in intron 16. This variant has been observed in at least one proband with a GAA-related disorder (PMID:31342611). It is absent or not present at a significant frequency in gnomAD. This variant is not predicted to impact splicing. In conclusion, we classify GAA c.2331+102del as a likely benign variant.

Literature cited by the submitters: PubMed 31342611.

NM_000152.5(GAA):c.2331+102del

Gene: GAA (alpha glucosidase; plus strand). Cytogenetic location: 17q25.3.
Variant type: Deletion.
Coding change: c.2331+102del on transcript NM_000152.5 (MANE Select); 102 bases into the intron after coding-DNA position 2331, one base deleted (A; older notation c.2331+102delA).
Molecular consequence: intron variant.
Genome position (GRCh38, 1-based): chr17:80,117,211, A deleted; the last of 2 consecutive A bases (chr17:80,117,210-80,117,211); deleting either gives the same sequence. VCF-style (leftmost placement, unchanged base first): chr17-80117209-GA-G. GRCh37 (hg19) VCF-style: chr17-78091008-GA-G.
Other names: c.2331+102del (NM_001406741.1, NM_001406742.1, NM_001079803.3 and 1 more transcripts).
Identifiers: ClinVar variation 4876381 (VCV004876381.1).